The following is an entry in ClinVar:

NM_177438.3(DICER1):c.4281G>A (p.Leu1427=)

Gene: DICER1 (dicer 1, ribonuclease III; minus strand). Cytogenetic location: 14q32.13.
Variant type: single nucleotide variant.
Coding change: c.4281G>A on transcript NM_177438.3 (MANE Select); coding-DNA position 4281, G replaced by A.
Protein change: p.Leu1427=; no amino-acid change (leucine 1427 retained).
Molecular consequence: synonymous variant.
Genome position (GRCh38, 1-based): chr14:95,096,639, C>T on the plus strand (G>A on the coding strand, the complement: DICER1 is on the minus strand). VCF-style: chr14-95096639-C-T. GRCh37 (hg19) VCF-style: chr14-95562976-C-T.
Other names: c.4281G>A, p.Leu1427= (NM_001195573.1, NM_001271282.3, NM_001291628.2 and 1 more transcripts).
Identifiers: ClinVar variation 417076 (VCV000417076.20), dbSNP rs143985382, ClinGen allele CA7330863.
Genomic context (GRCh38, chr14:95,096,639, plus strand): 5'-CTGATCATACTCCAGGAAATCATCTTCATAGTCAGCCTCTTCCTTCGGAGCCCTCCACAT[C>T]AGGCTCTCCTCCTCCTCATCCTCCTCCTCGTAATCCTCATCCAGTTTGCCATTCGCCAGC-3'
Protein context (NP_803187.1, residues 1417-1437): YEEEDEEEES[Leu1427=]MWRAPKEEAD

ClinVar aggregate classification (germline): Benign/Likely benign. Review status: criteria provided, multiple submitters, no conflicts (2 of 4 stars). 4 submissions from 4 submitters: Benign (1); Likely benign (2). 1 of the submissions does not count toward it. Last evaluated 2026-04-17.

Conditions:
DICER1-related tumor predisposition. Also called: DICER1-related pleuropulmonary blastoma cancer predisposition syndrome; DICER1 syndrome. Identifiers: Orphanet 284343, MedGen C3839822, MONDO:0100216.
DICER1-related disorder. Also called: DICER1-related condition.
Hereditary cancer-predisposing syndrome. Also called: Hereditary Cancer Syndrome; Neoplastic Syndromes, Hereditary; Hereditary neoplastic syndrome; Tumor predisposition. Identifiers: Orphanet 140162, MedGen C0027672, MeSH D009386, MONDO:0015356.

Allele frequency attached by ClinVar (database versions not stated): gnomAD exomes below 0.00001 and 0.00001; gnomAD 0.00001; TOPMed 0.00001; ESP Exome Variant Server 0.00008; ExAC 0.00002.
gnomAD v4.1: 2 of 1,612,108 alleles (0.00012%); highest among the groups gnomAD compares: African/African-American, 0.0013%; no homozygotes.

Submissions (4):

Myriad Genetics, Inc.
Classification: Benign for DICER1-related tumor predisposition. Last evaluated: 2026-04-17. Review status: criteria provided, single submitter. Criteria: Myriad Autosomal Dominant, Autosomal Recessive and X-Linked Classification Criteria (2023). Collection method: clinical testing. Allele origin: unknown.
Comment: This variant is considered benign. This variant is a silent/synonymous amino acid change and it is not expected to impact splicing.

Labcorp Genetics (formerly Invitae), Labcorp
Classification: Likely benign for DICER1-related tumor predisposition. Last evaluated: 2025-12-23. Review status: criteria provided, single submitter. Criteria: Invitae Variant Classification Sherloc (09022015). Collection method: clinical testing. Allele origin: germline.

Ambry Genetics
Classification: Likely benign for Hereditary cancer-predisposing syndrome. Last evaluated: 2019-03-26. Review status: criteria provided, single submitter. Criteria: Ambry Variant Classification Scheme 2023. Collection method: clinical testing. Allele origin: germline.

PreventionGenetics, part of Exact Sciences
Classification: Likely benign for DICER1-related condition. Last evaluated: 2022-07-22. Review status: no assertion criteria provided. Collection method: clinical testing. Allele origin: germline. Not counted in ClinVar's aggregate classification.
Comment: This variant is classified as likely benign based on ACMG/AMP sequence variant interpretation guidelines (Richards et al. 2015 PMID: 25741868, with internal and published modifications).